The following is an entry in ClinVar:

ClinVar aggregate classification (germline): Uncertain significance. Review status: criteria provided, multiple submitters, no conflicts (2 of 4 stars). 2 submissions from 2 submitters: Uncertain significance (2). Last evaluated 2024-11-05.

Conditions:
Cardiovascular phenotype. Identifiers: MedGen CN230736.
Brugada syndrome 4 (BRGDA4). Identifiers: Orphanet 130, MedGen C2678477, MONDO:0012743, OMIM 611876.

Submissions (2):

Labcorp Genetics (formerly Invitae), Labcorp
Classification: Uncertain significance for Brugada syndrome 4. Last evaluated: 2024-11-05. Review status: criteria provided, single submitter. Criteria: Invitae Variant Classification Sherloc (09022015). Collection method: clinical testing. Allele origin: germline.
Comment: This sequence change replaces lysine, which is basic and polar, with asparagine, which is neutral and polar, at codon 583 of the CACNB2 protein (p.Lys583Asn). This variant is not present in population databases (gnomAD no frequency). This variant has not been reported in the literature in individuals affected with CACNB2-related conditions. An algorithm developed to predict the effect of missense changes on protein structure and function (PolyPhen-2) suggests that this variant is likely to be tolerated. In summary, the available evidence is currently insufficient to determine the role of this variant in disease. Therefore, it has been classified as a Variant of Uncertain Significance.

Ambry Genetics
Classification: Uncertain significance for Cardiovascular phenotype. Last evaluated: 2024-10-20. Review status: criteria provided, single submitter. Criteria: Ambry Variant Classification Scheme 2023. Collection method: clinical testing. Allele origin: germline.
Comment: The p.K583N variant (also known as c.1749G>C), located in coding exon 13 of the CACNB2 gene, results from a G to C substitution at nucleotide position 1749. The lysine at codon 583 is replaced by asparagine, an amino acid with similar properties. This amino acid position is conserved. In addition, this alteration is predicted to be tolerated by in silico analysis. Based on the available evidence, the clinical significance of this variant remains unclear.

NM_201596.3(CACNB2):c.1911G>C (p.Lys637Asn)

Gene: CACNB2 (calcium voltage-gated channel auxiliary subunit beta 2; plus strand). Cytogenetic location: 10p12.31.
Variant type: single nucleotide variant.
Coding change: c.1911G>C on transcript NM_201596.3 (MANE Select); coding-DNA position 1911, G replaced by C.
Protein change: p.Lys637Asn; replaces lysine 637 with asparagine.
Molecular consequence: missense variant.
Genome position (GRCh38, 1-based): chr10:18,539,652, G>C. VCF-style: chr10-18539652-G-C. GRCh37 (hg19) VCF-style: chr10-18828581-G-C.
Other names: c.1767G>C, p.Lys589Asn (NM_201570.3); c.1827G>C, p.Lys609Asn (NM_201571.4); c.1755G>C, p.Lys585Asn (NM_201572.4); c.1749G>C, p.Lys583Asn (NM_201590.3); c.1797G>C, p.Lys599Asn (NM_201593.3); c.1839G>C, p.Lys613Asn (NM_201597.3); c.1746G>C, p.Lys582Asn (NM_000724.4); c.1713G>C, p.Lys571Asn (NM_001167945.2); and 2 more; short protein forms K571N, K582N, K599N, K637N, K585N, K609N, K544N, K583N.
Identifiers: ClinVar variation 3484161 (VCV003484161.3).
Genomic context (GRCh38, chr10:18,539,652, plus strand): 5'-CCACAACGAGTGCAACAAGCAGCGCAGCCGTCATAAATCCAAGGATCGCTACTGTGAAAA[G>C]GATGGAGAAGTGATATCAAAAAAACGGAATGAGGCTGGGGAGTGGAACAGGGATGTTTAC-3'
Protein context (NP_963890.2, residues 627-647): RHKSKDRYCE[Lys637Asn]DGEVISKKRN